The following is an entry in ClinVar:

NM_020884.7(MYH7B):c.5319C>T (p.Ala1773=)

Gene: MYH7B (myosin heavy chain 7B; plus strand). Cytogenetic location: 20q11.22.
Variant type: single nucleotide variant.
Coding change: c.5319C>T on transcript NM_020884.7 (MANE Select); coding-DNA position 5319, C replaced by T.
Protein change: p.Ala1773=; no amino-acid change (alanine 1773 retained).
Molecular consequence: synonymous variant.
Genome position (GRCh38, 1-based): chr20:35,001,002, C>T. VCF-style: chr20-35001002-C-T. GRCh37 (hg19) VCF-style: chr20-33588805-C-T.
Identifiers: ClinVar variation 3034560 (VCV003034560.2), dbSNP rs375176309, ClinGen allele CA9828514.

ClinVar aggregate classification (germline): Likely benign (0 of 4 stars; one submission).

Conditions:
MYH7B-related disorder. Also called: MYH7B-related condition.

Allele frequency attached by ClinVar (database versions not stated): gnomAD exomes 0.00004; ExAC 0.00006; TOPMed 0.00006; gnomAD 0.00007; ESP Exome Variant Server 0.00015; 1000 Genomes Project 30x 0.00016; 1000 Genomes Project 0.00020.
gnomAD v4.1: 70 of 1,613,752 alleles (0.0043%); highest among the groups gnomAD compares: Middle Eastern, 0.017%; no homozygotes.

Submission:

PreventionGenetics, part of Exact Sciences
Classification: Likely benign for MYH7B-related condition. Last evaluated: 2019-08-05. Review status: no assertion criteria provided. Collection method: clinical testing. Allele origin: germline.
Comment: This variant is classified as likely benign based on ACMG/AMP sequence variant interpretation guidelines (Richards et al. 2015 PMID: 25741868, with internal and published modifications).